The following is an entry in ClinVar:

ClinVar aggregate classification (germline): Uncertain significance (1 of 4 stars; one submission).

Conditions:
Hereditary cancer-predisposing syndrome. Also called: Neoplastic Syndromes, Hereditary; Tumor predisposition; Hereditary Cancer Syndrome; Hereditary neoplastic syndrome. Identifiers: Orphanet 140162, MedGen C0027672, MeSH D009386, MONDO:0015356.

Submission:

Ambry Genetics
Classification: Uncertain significance for Hereditary cancer-predisposing syndrome. Last evaluated: 2015-04-17. Review status: criteria provided, single submitter. Criteria: Ambry Variant Classification Scheme 2023. Collection method: clinical testing. Allele origin: germline.
Comment: The p.P1033T variant (also known as c.3097C>A), located in coding exon 19 of the BRIP1 gene, results from a C to A substitution at nucleotide position 3097. The proline at codon 1033 is replaced by threonine, an amino acid with highly similar properties. This variant was not reported in population based cohorts in the following databases: Database of Single Nucleotide Polymorphisms (dbSNP), NHLBI Exome Sequencing Project (ESP), and 1000 Genomes Project. In the ESP, this variant was not observed in 6503 samples (13006 alleles) with coverage at this position. To date, this alteration has been detected with an allele frequency of approximately 0.002% (greater than 65000 alleles tested) in our clinical cohort. This amino acid position is poorly conserved in available vertebrate species. In addition, this alteration is predicted to be tolerated by in silico analysis. Since supporting evidence is limited at this time, the clinical significance of p.P1033T remains unclear.

NM_032043.3(BRIP1):c.3097C>A (p.Pro1033Thr)

Gene: BRIP1 (BRCA1 interacting DNA helicase 1; minus strand). Cytogenetic location: 17q23.2.
Variant type: single nucleotide variant.
Coding change: c.3097C>A on transcript NM_032043.3 (MANE Select); coding-DNA position 3097, C replaced by A.
Protein change: p.Pro1033Thr; replaces proline 1033 with threonine.
Molecular consequence: missense variant.
Genome position (GRCh38, 1-based): chr17:61,683,949, G>T on the plus strand (C>A on the coding strand, the complement: BRIP1 is on the minus strand). VCF-style: chr17-61683949-G-T. GRCh37 (hg19) VCF-style: chr17-59761310-G-T.
Other names: short protein forms P1033T.
Identifiers: ClinVar variation 231371 (VCV000231371.5), dbSNP rs876659119, ClinGen allele CA10580783.